The following is an entry in ClinVar:

NM_000718.4(CACNA1B):c.5024A>G (p.Asn1675Ser)

Gene: CACNA1B (calcium voltage-gated channel subunit alpha1 B; plus strand). Cytogenetic location: 9q34.3.
Variant type: single nucleotide variant.
Coding change: c.5024A>G on transcript NM_000718.4 (MANE Select); coding-DNA position 5024, A replaced by G.
Protein change: p.Asn1675Ser; replaces asparagine 1675 with serine.
Molecular consequence: missense variant.
Genome position (GRCh38, 1-based): chr9:138,078,188, A>G. VCF-style: chr9-138078188-A-G. GRCh37 (hg19) VCF-style: chr9-140972640-A-G.
Other names: c.5024A>G, p.Asn1675Ser (NM_001243812.2); short protein forms N1675S.
Identifiers: ClinVar variation 1947243 (VCV001947243.3), dbSNP rs199497750, ClinGen allele CA5377241.
Genomic context (GRCh38, chr9:138,078,188, plus strand): 5'-AGGCCTGGCACGAGATCATGCTGTCCTGCCTGAGCAACCAGGCCTGTGATGAGCAGGCCA[A>G]TGCCACCGAGTGTGGAAGTGACTTTGCCTACTTCTACTTCGTCTCCTTCATCTTCCTGTG-3'
Protein context (NP_000709.1, residues 1665-1685): LSNQACDEQA[Asn1675Ser]ATECGSDFAY

ClinVar aggregate classification (germline): Uncertain significance (1 of 4 stars; one submission).

Allele frequency attached by ClinVar (database versions not stated): gnomAD 0.00001; gnomAD exomes 0.00001; TOPMed 0.00001; ExAC 0.00002.
gnomAD v4.1: 10 of 1,613,738 alleles (0.00062%); highest among the groups gnomAD compares: East Asian, 0.0022%; no homozygotes.

Submission:

Labcorp Genetics (formerly Invitae), Labcorp
Classification: Uncertain significance. Last evaluated: 2022-10-13. Review status: criteria provided, single submitter. Criteria: Invitae Variant Classification Sherloc (09022015). Collection method: clinical testing. Allele origin: germline.
Comment: In summary, the available evidence is currently insufficient to determine the role of this variant in disease. Therefore, it has been classified as a Variant of Uncertain Significance. Advanced modeling of protein sequence and biophysical properties (such as structural, functional, and spatial information, amino acid conservation, physicochemical variation, residue mobility, and thermodynamic stability) performed at Invitae indicates that this missense variant is not expected to disrupt CACNA1B protein function. This variant has not been reported in the literature in individuals affected with CACNA1B-related conditions. This variant is present in population databases (rs199497750, gnomAD 0.0009%). This sequence change replaces asparagine, which is neutral and polar, with serine, which is neutral and polar, at codon 1675 of the CACNA1B protein (p.Asn1675Ser).